The following is an entry in ClinVar:

ClinVar aggregate classification (germline): Pathogenic (1 of 4 stars; one submission).

Conditions:
Pontocerebellar hypoplasia type 4 (PCH4). Also called: Pontocerebellar Hypoplasia Type 4 (PCH4). Identifiers: Orphanet 166063, MedGen C1856974, MONDO:0009166, OMIM 225753.

Submission:

3billion
Classification: Pathogenic for Pontocerebellar hypoplasia type 4. Last evaluated: 2022-09-01. Review status: criteria provided, single submitter. Criteria: ACMG Guidelines, 2015. Collection method: clinical testing. Allele origin: germline. Affected: yes. Observed: 1 heterozygote.
Comment: The variant is not observed in the gnomAD v2.1.1 dataset. Frameshift variant is predicted to result in a loss or disruption of normal protein function through nonsense-mediated decay (NMD) or protein truncation. Multiple pathogenic variants are reported downstream of the variant. The variant was found in trans with another pathogenic variant of TSEN54 (3billion dataset). Therefore, this variant is classified as Pathogenic according to the recommendation of ACMG/AMP guideline.

NM_207346.3(TSEN54):c.869_875dup (p.Lys293fs)

Gene: TSEN54 (tRNA splicing endonuclease subunit 54; plus strand). Cytogenetic location: 17q25.1.
Variant type: Duplication.
Coding change: c.869_875dup on transcript NM_207346.3 (MANE Select); coding-DNA positions 869 to 875, 7 bases duplicated (GAGCCGG; older notation c.869_875dupGAGCCGG).
Protein change: p.Lys293fs; shifts the reading frame from lysine 293.
Molecular consequence: frameshift variant.
Genome position (GRCh38, 1-based): chr17:75,521,950-75,521,956, GAGCCGG duplicated; duplicating any 7 consecutive bases within chr17:75,521,947-75,521,956 gives the same sequence; the c. name uses the placement nearest the transcript's 3' end. VCF-style (leftmost placement, unchanged base first): chr17-75521946-A-ACGGGAGC. GRCh37 (hg19) VCF-style: chr17-73518027-A-ACGGGAGC.
Other names: short protein forms K293fs.
Identifiers: ClinVar variation 1705655 (VCV001705655.1), dbSNP rs2546156895, ClinGen allele CA2580095215.